The following is an entry in ClinVar:

NM_015178.3(RHOBTB2):c.1465C>T (p.Arg489Trp)

Gene: RHOBTB2 (Rho related BTB domain containing 2; plus strand). Cytogenetic location: 8p21.3.
Variant type: single nucleotide variant.
Coding change: c.1465C>T on transcript NM_015178.3 (MANE Select); coding-DNA position 1465, C replaced by T.
Protein change: p.Arg489Trp; replaces arginine 489 with tryptophan.
Molecular consequence: missense variant.
Genome position (GRCh38, 1-based): chr8:23,007,710, C>T. VCF-style: chr8-23007710-C-T. GRCh37 (hg19) VCF-style: chr8-22865223-C-T.
Other names: c.1531C>T, p.Arg511Trp (NM_001160036.2); c.1486C>T, p.Arg496Trp (NM_001160037.2); c.1465C>T, p.Arg489Trp (NM_001374791.1); c.1486C>T (NM_001160037.1); short protein forms R511W, R489W, R496W.
Identifiers: ClinVar variation 495261 (VCV000495261.66), dbSNP rs1554504681, ClinGen allele CA370569442.

ClinVar aggregate classification (germline): Pathogenic/Likely pathogenic. Review status: criteria provided, multiple submitters, no conflicts (2 of 4 stars). 15 submissions from 15 submitters: Pathogenic (12); Likely pathogenic (2). 1 of the submissions does not count toward it. Last evaluated 2026-06-01.

Conditions:
Rett syndrome (RTT). Also called: AUTISM, DEMENTIA, ATAXIA, AND LOSS OF PURPOSEFUL HAND USE; Rett's disorder. Identifiers: Orphanet 3095, Orphanet 778, MedGen C0035372, MONDO:0010726, OMIM 312750.
Inborn genetic diseases. Identifiers: MedGen C0950123, MeSH D030342.
RHOBTB2-related disorder. Also called: RHOBTB2-related condition.
Developmental and epileptic encephalopathy, 64. Also called: EPILEPTIC ENCEPHALOPATHY, EARLY INFANTILE, 64. Identifiers: MedGen C4693899, MONDO:0033373, OMIM 618004.
Developmental and epileptic encephalopathy. Identifiers: MedGen C5779964, MONDO:0100620.
Seizure. Also called: Seizures. Identifiers: MedGen C0036572, HP:0001250.

Submissions (15):

Clinical Genetics Laboratory, Skane University Hospital Lund
Classification: Pathogenic for Developmental and epileptic encephalopathy. Last evaluated: 2026-06-01. Review status: criteria provided, single submitter. Criteria: ACMG Guidelines, 2015. Collection method: clinical testing. Allele origin: de novo. Affected: yes.
Comment: ACMG-criteria applied: PS2, PS4_moderate, PM2, PM5, PP3.

Institute of Human Genetics, University of Leipzig Medical Center
Classification: Pathogenic for Developmental and epileptic encephalopathy, 64. Last evaluated: 2025-05-13. Review status: criteria provided, single submitter. Criteria: ACMG Guidelines, 2015. Collection method: clinical testing. Allele origin: unknown. Inheritance: Autosomal dominant inheritance. Affected: yes.
Comment: Criteria applied: PS2,PS4_MOD,PM1,PM5,PM2_SUP,PP2,PP3

Victorian Clinical Genetics Services, Murdoch Childrens Research Institute
Classification: Pathogenic for Developmental and epileptic encephalopathy, 64. Last evaluated: 2025-05-12. Review status: criteria provided, single submitter. Criteria: ACMG Guidelines, 2015. Collection method: clinical testing. Allele origin: germline. Affected: yes.
Comment: This variant is classified as Pathogenic. Evidence in support of pathogenic classification: Variant is absent from gnomAD (v2, v3 and v4); This variant has strong previous evidence of pathogenicity in unrelated individuals. This variant has been classified as pathogenic and likely pathogenic by multiple clinical laboratories (ClinVar). This variant has been reported in individuals presenting with RHOBTB2-related phenotypes (PMID: 37165955); Variant is located in a hotspot region or cluster of PATHOGENIC variants (DECIPHER); Missense variant predicted to be damaging by in silico tool(s) or highly conserved with a major amino acid change; Additional information: Variant is predicted to result in a missense amino acid change from arginine to tryptophan; This variant is heterozygous; This gene is associated with both recessive and dominant disease (ClinGen CCID:006003, 006004). - Alternative amino acid change(s) at the same position are present in gnomAD (highest allele count: v4: 1 heterozygote(s), 0 homozygote(s)); Loss of function and gain of function are known mechanisms of disease in this gene and are associated with complex neurodevelopmental disorder (MONDO:0100038), RHOBTB2-related (PMID: 37165955). Biallelic loss of function variants are associated with autosomal recessive disease, while monoallelic gain of function missense variants within and between the BTB domains are associated with autosomal dominant disease (PMID: 37165955). The mechanism for missense variants outside of the BTB domains is not well established, but is associated with a milder phenotype (PMID: 37165955).

Labcorp Genetics (formerly Invitae), Labcorp
Classification: Pathogenic. Last evaluated: 2025-05-11. Review status: criteria provided, single submitter. Criteria: Invitae Variant Classification Sherloc (09022015). Collection method: clinical testing. Allele origin: germline.
Comment: This sequence change replaces arginine, which is basic and polar, with tryptophan, which is neutral and slightly polar, at codon 511 of the RHOBTB2 protein (p.Arg511Trp). This variant is not present in population databases (gnomAD no frequency). This missense change has been observed in individual(s) with early infantile epileptic encephalopathy (PMID: 29276004, 31780880). In at least one individual the variant was observed to be de novo. ClinVar contains an entry for this variant (Variation ID: 495261). Invitae Evidence Modeling of protein sequence and biophysical properties (such as structural, functional, and spatial information, amino acid conservation, physicochemical variation, residue mobility, and thermodynamic stability) has been performed for this missense variant. However, the output from this modeling did not meet the statistical confidence thresholds required to predict the impact of this variant on RHOBTB2 protein function. This variant disrupts the p.Arg511 amino acid residue in RHOBTB2. Other variant(s) that disrupt this residue have been determined to be pathogenic (PMID: 29276004, 29768694). This suggests that this residue is clinically significant, and that variants that disrupt this residue are likely to be disease-causing. For these reasons, this variant has been classified as Pathogenic.

Cytogénomique, Hospices Civils de Lyon
Classification: Pathogenic for Seizure. Last evaluated: 2025-05-06. Review status: criteria provided, single submitter. Criteria: ACMG Guidelines, 2015. Collection method: clinical testing. Allele origin: de novo. Affected: yes.

Blueprint Genetics
Classification: Pathogenic for RHOBTB2-related disorders. Last evaluated: 2024-05-06. Review status: criteria provided, single submitter. Criteria: ACMG Guidelines, 2015. Collection method: clinical testing. Allele origin: de novo. Affected: yes. Observed: 2 variant alleles.

Genomic Medicine Center of Excellence, King Faisal Specialist Hospital and Research Centre
Classification: Pathogenic for Developmental and epileptic encephalopathy, 64. Last evaluated: 2024-03-25. Review status: criteria provided, single submitter. Criteria: ACMG Guidelines, 2015. Collection method: clinical testing. Allele origin: germline.

Institute of Human Genetics Munich, TUM University Hospital
Classification: Pathogenic for Developmental and epileptic encephalopathy, 64. Last evaluated: 2023-11-30. Review status: criteria provided, single submitter. Criteria: Classification criteria August 2017. Collection method: clinical testing. Allele origin: de novo. Inheritance: Autosomal dominant inheritance. Affected: yes. Observed: 1 variant allele.

CeGaT Center for Human Genetics Tuebingen
Classification: Pathogenic. Last evaluated: 2020-12-01. Review status: criteria provided, single submitter. Criteria: CeGaT Center For Human Genetics Tuebingen Variant Classification Criteria Version 2. Collection method: clinical testing. Allele origin: germline. Affected: yes. Observed: 2 variant alleles.

SIB Swiss Institute of Bioinformatics
Classification: Likely pathogenic for Developmental and epileptic encephalopathy, 64. Last evaluated: 2018-10-15. Review status: criteria provided, single submitter. Criteria: ACMG Guidelines, 2015. Collection method: curation. Allele origin: unknown.
Comment: This variant is interpreted as Likely Pathogenic, for Epileptic encephalopathy, early infantile, 64, autosomal dominant. The following ACMG Tag(s) were applied: PM2 => Absent from controls (or at extremely low frequency if recessive) in Exome Sequencing Project, 1000 Genomes Project, or Exome Aggregation Consortium. PM6 => Assumed de novo, but without confirmation of paternity and maternity (PubMed 29276004). PM5 => Novel missense change at an amino acid residue where a different missense change determined to be pathogenic has been seen before (PubMed 29276004 and 29768694) (PubMed 29276004).

Baylor Genetics
Classification: Pathogenic for Developmental and epileptic encephalopathy, 64. Last evaluated: 2018-06-28. Review status: criteria provided, single submitter. Criteria: ACMG Guidelines, 2015. Collection method: clinical testing. Allele origin: de novo. Affected: yes.
Comment: This variant was determined to be pathogenic according to ACMG Guidelines, 2015 [PMID:25741868]. This variant has been previously reported arising de novo in two unrelated patients presenting with early-onset epilepsy, severe intellectual disability, postnatal microcephaly, and movement disorders [PMID 29276004]

Ambry Genetics
Classification: Pathogenic for Inborn genetic diseases. Last evaluated: 2018-03-28. Review status: criteria provided, single submitter. Criteria: Ambry exome assertion method (8-5-2015). Collection method: clinical testing. Allele origin: germline. Affected: yes. Observed: 1 variant allele.

NeuroMeGen, Hospital Clinico Santiago de Compostela
Classification: Likely pathogenic for Rett syndrome. Last evaluated: 2018-01-01. Review status: criteria provided, single submitter. Criteria: ACMG Guidelines, 2015. Collection method: clinical testing. Allele origin: de novo. Affected: yes. Observed: 1 heterozygote.

Clinical Genetics Service, Universitary Hospital 12 de Octubre
Classification: Pathogenic for Developmental and epileptic encephalopathy, 64. Review status: criteria provided, single submitter. Criteria: ACMG Guidelines, 2015. Collection method: clinical testing. Allele origin: de novo. Affected: yes.

OMIM
Classification: Pathogenic for DEVELOPMENTAL AND EPILEPTIC ENCEPHALOPATHY 64. Last evaluated: 2020-11-17. Review status: no assertion criteria provided. Collection method: literature only. Allele origin: germline. Not counted in ClinVar's aggregate classification.

Literature cited by the submitters: PubMed 37165955 (cited by Victorian Clinical Genetics Services, Murdoch Childrens Research Institute); PubMed 29276004 (cited by 5 submitters); PubMed 31780880 (cited by Labcorp Genetics (formerly Invitae), Labcorp); PubMed 29768694 (cited by Labcorp Genetics (formerly Invitae), Labcorp); PubMed 18298893 (cited by Ambry Genetics).